The following is an entry in ClinVar:

NM_001366521.1(ATP2B1):c.830C>G (p.Ala277Gly)

Gene: ATP2B1 (ATPase plasma membrane Ca2+ transporting 1; minus strand). Cytogenetic location: 12q21.33.
Variant type: single nucleotide variant.
Coding change: c.830C>G on transcript NM_001366521.1 (MANE Select); coding-DNA position 830, C replaced by G.
Protein change: p.Ala277Gly; replaces alanine 277 with glycine.
Molecular consequence: missense variant. On other transcripts: non-coding transcript variant (3), intron variant (8).
Genome position (GRCh38, 1-based): chr12:89,630,603, G>C on the plus strand (C>G on the coding strand, the complement: ATP2B1 is on the minus strand). VCF-style: chr12-89630603-G-C. GRCh37 (hg19) VCF-style: chr12-90024380-G-C.
Other names: c.830C>G, p.Ala277Gly (NM_001413046.1, NM_001413047.1, NM_001413048.1 and 14 more transcripts); c.632C>G, p.Ala211Gly (NM_001413053.1, NM_001366530.1); c.575C>G, p.Ala192Gly (NM_001413056.1); c.377C>G, p.Ala126Gly (NM_001413057.1); c.407-3988C>G (NM_001413060.1, NM_001366531.1, NM_001413058.1 and 2 more transcripts); c.788-2887C>G (NM_001413051.1, NM_001413055.1, NM_001413052.1); short protein forms A126G, A192G, A211G, A277G.
Identifiers: ClinVar variation 4086345 (VCV004086345.1).
Genomic context (GRCh38, chr12:89,630,603, plus strand): 5'-TCTTCACCTCCAGCTCCAAGTAAGGTAAAGATAATTCCAGTTTGAGAATTTACACCTACA[G>C]CTGTAACTACCATTCTTCCAGAGCCTTCCATTACATGAGTACCTATAACCAAAAACATAG-3'
Protein context (NP_001353450.1, residues 267-287): MEGSGRMVVT[Ala277Gly]VGVNSQTGII

ClinVar aggregate classification (germline): Uncertain significance (1 of 4 stars; one submission).

gnomAD v4.1: 1 of 1,599,538 alleles (0.000063%); highest among the groups gnomAD compares: East Asian, 0.0023%; no homozygotes.

Submission:

GeneDx
Classification: Uncertain significance. Last evaluated: 2025-03-18. Review status: criteria provided, single submitter. Criteria: GeneDx Variant Classification Process June 2021. Collection method: clinical testing. Allele origin: germline. Affected: yes.
Comment: Not observed at significant frequency in large population cohorts (gnomAD); In silico analysis supports that this missense variant has a deleterious effect on protein structure/function; Has not been previously published as pathogenic or benign to our knowledge